The following is an entry in ClinVar:

NM_000038.6(APC):c.4177C>T (p.Leu1393Phe)

Gene: APC (APC regulator of Wnt signaling pathway; plus strand). Cytogenetic location: 5q22.2.
Variant type: single nucleotide variant.
Coding change: c.4177C>T on transcript NM_000038.6 (MANE Select); coding-DNA position 4177, C replaced by T.
Protein change: p.Leu1393Phe; replaces leucine 1393 with phenylalanine.
Molecular consequence: missense variant.
Genome position (GRCh38, 1-based): chr5:112,839,771, C>T. VCF-style: chr5-112839771-C-T. GRCh37 (hg19) VCF-style: chr5-112175468-C-T.
Other names: c.4177C>T, p.Leu1393Phe (NM_001127510.3, NM_001354895.2); c.4123C>T, p.Leu1375Phe (NM_001127511.3); c.4231C>T, p.Leu1411Phe (NM_001354896.2); c.4207C>T, p.Leu1403Phe (NM_001354897.2); c.4102C>T, p.Leu1368Phe (NM_001354898.2); c.4093C>T, p.Leu1365Phe (NM_001354899.2); c.4054C>T, p.Leu1352Phe (NM_001354900.2); c.4000C>T, p.Leu1334Phe (NM_001354901.2); and 5 more; short protein forms L1110F, L1365F, L1368F, L1292F, L1233F, L1302F, L1334F, L1393F.
Identifiers: ClinVar variation 966336 (VCV000966336.12), dbSNP rs1765620923, ClinGen allele CA16030483.

ClinVar aggregate classification (germline): Uncertain significance. Review status: criteria provided, multiple submitters, no conflicts (2 of 4 stars). 2 submissions from 2 submitters: Uncertain significance (2). Last evaluated 2023-11-30.

Conditions:
Classic or attenuated familial adenomatous polyposis. Identifiers: MedGen CN372698, MONDO:0021057.
Familial adenomatous polyposis 1 (FAP1). Also called: POLYPOSIS, ADENOMATOUS INTESTINAL; FAMILIAL ADENOMATOUS POLYPOSIS 1, ATTENUATED. Identifiers: MedGen C2713442, MONDO:0021056, OMIM 175100. Disease mechanism: loss of function.

Submissions (2):

All of Us Research Program, National Institutes of Health
Classification: Uncertain significance for Classic or attenuated familial adenomatous polyposis. Last evaluated: 2023-11-30. Review status: criteria provided, single submitter. Criteria: ACMG Guidelines, 2015. Collection method: clinical testing. Allele origin: germline. Inheritance: Autosomal dominant inheritance. Observed: 1 variant allele, 1 heterozygote.
Comment: This study involves interpretation of variants in research participants for the purpose of population health screening. Participant phenotype was not available at the time of variant classification. Additional details can be found in publication PMID: 35346344, PMCID: PMC8962531

Labcorp Genetics (formerly Invitae), Labcorp
Classification: Uncertain significance for Familial adenomatous polyposis 1. Last evaluated: 2019-11-13. Review status: criteria provided, single submitter. Criteria: Invitae Variant Classification Sherloc (09022015). Collection method: clinical testing. Allele origin: germline.
Comment: In summary, the available evidence is currently insufficient to determine the role of this variant in disease. Therefore, it has been classified as a Variant of Uncertain Significance. Algorithms developed to predict the effect of missense changes on protein structure and function are either unavailable or do not agree on the potential impact of this missense change (SIFT: "Deleterious"; PolyPhen-2: "Probably Damaging"; Align-GVGD: "Class C0"). This variant has not been reported in the literature in individuals with APC-related conditions. This sequence change replaces leucine with phenylalanine at codon 1393 of the APC protein (p.Leu1393Phe). The leucine residue is highly conserved and there is a small physicochemical difference between leucine and phenylalanine. This variant is not present in population databases (ExAC no frequency).